The following is an entry in ClinVar:

ClinVar aggregate classification (germline): Uncertain significance. Review status: criteria provided, multiple submitters, no conflicts (2 of 4 stars). 5 submissions from 5 submitters: Uncertain significance (5). Last evaluated 2026-01-13.

Conditions:
Fanconi anemia complementation group J. Also called: BRIP1-Related Fanconi Anemia. Identifiers: Orphanet 84, MedGen C1836860, MONDO:0012187, OMIM 609054.
Familial cancer of breast. Also called: BREAST CANCER, FAMILIAL; hereditary breast carcinoma; Hereditary breast cancer. Identifiers: Orphanet 227535, MedGen C0346153, MONDO:0016419, OMIM 114480. Disease mechanism: loss of function.
Hereditary cancer-predisposing syndrome. Also called: Tumor predisposition; Hereditary Cancer Syndrome; Hereditary neoplastic syndrome; Neoplastic Syndromes, Hereditary. Identifiers: Orphanet 140162, MedGen C0027672, MeSH D009386, MONDO:0015356.

Allele frequency attached by ClinVar (database versions not stated): gnomAD exomes below 0.00001; ExAC 0.00001.
gnomAD v4.1: 2 of 1,611,684 alleles (0.00012%); highest among the groups gnomAD compares: South Asian, 0.0011%; no homozygotes.

Submissions (5):

Labcorp Genetics (formerly Invitae), Labcorp
Classification: Uncertain significance for Familial cancer of breast; Fanconi anemia complementation group J. Last evaluated: 2026-01-13. Review status: criteria provided, single submitter. Criteria: Invitae Variant Classification Sherloc (09022015). Collection method: clinical testing. Allele origin: germline.
Comment: This sequence change replaces histidine, which is basic and polar, with arginine, which is basic and polar, at codon 1227 of the BRIP1 protein (p.His1227Arg). This variant is present in population databases (rs755069935, gnomAD 0.003%). This variant has not been reported in the literature in individuals affected with BRIP1-related conditions. ClinVar contains an entry for this variant (Variation ID: 421331). Invitae Evidence Modeling of protein sequence and biophysical properties (such as structural, functional, and spatial information, amino acid conservation, physicochemical variation, residue mobility, and thermodynamic stability) indicates that this missense variant is not expected to disrupt BRIP1 protein function with a negative predictive value of 95%. In summary, the available evidence is currently insufficient to determine the role of this variant in disease. Therefore, it has been classified as a Variant of Uncertain Significance.

Color Diagnostics, LLC DBA Color Health
Classification: Uncertain significance for Hereditary cancer-predisposing syndrome. Last evaluated: 2025-03-17. Review status: criteria provided, single submitter. Criteria: ACMG Guidelines, 2015. Collection method: clinical testing. Allele origin: germline.
Comment: This missense variant replaces histidine with arginine at codon 1227 of the BRIP1 protein. Computational prediction suggests that this variant may not impact protein structure and function (internally defined REVEL score threshold <= 0.5, PMID: 27666373). To our knowledge, functional studies have not been reported for this variant. This variant has not been reported in individuals affected with hereditary cancer in the literature. This variant has been identified in 1/250208 chromosomes in the general population by the Genome Aggregation Database (gnomAD). The available evidence is insufficient to determine the role of this variant in disease conclusively. Therefore, this variant is classified as a Variant of Uncertain Significance.

Ambry Genetics
Classification: Uncertain significance for Hereditary cancer-predisposing syndrome. Last evaluated: 2024-03-23. Review status: criteria provided, single submitter. Criteria: Ambry Variant Classification Scheme 2023. Collection method: clinical testing. Allele origin: germline.
Comment: The p.H1227R variant (also known as c.3680A>G), located in coding exon 19 of the BRIP1 gene, results from an A to G substitution at nucleotide position 3680. The histidine at codon 1227 is replaced by arginine, an amino acid with highly similar properties. This amino acid position is poorly conserved in available vertebrate species. In addition, this alteration is predicted to be tolerated by in silico analysis. Since supporting evidence is limited at this time, the clinical significance of this alteration remains unclear.

Blueprint Genetics
Classification: Uncertain significance. Last evaluated: 2024-02-08. Review status: criteria provided, single submitter. Criteria: ACMG Guidelines, 2015. Collection method: clinical testing. Allele origin: germline.

GeneDx
Classification: Uncertain significance. Last evaluated: 2016-05-31. Review status: criteria provided, single submitter. Criteria: GeneDx Variant Classification (06012015). Collection method: clinical testing. Allele origin: germline. Affected: yes.
Comment: This variant is denoted BRIP1 c.3680A>G at the cDNA level, p.His1227Arg (H1227R) at the protein level, and results in the change of a Histidine to an Arginine (CAT>CGT). This variant has not, to our knowledge, been published in the literature as pathogenic or benign. BRIP1 His1227Arg was not observed in approximately 6,500 individuals of European and African American ancestry in the NHLBI Exome Sequencing Project, suggesting it is not a common benign variant in these populations. Since Histidine and Arginine share similar properties, this is considered a conservative amino acid substitution. BRIP1 His1227Arg occurs at a position that is not conserved and is not located in a known functional domain (Cantor 2011). In silico analyses predict that this variant is unlikely to alter protein structure or function. Based on currently available evidence, it is unclear whether BRIP1 His1227Arg is a pathogenic or benign variant. We consider it to be a variant of uncertain significance.

NM_032043.3(BRIP1):c.3680A>G (p.His1227Arg)

Gene: BRIP1 (BRCA1 interacting DNA helicase 1; minus strand). Cytogenetic location: 17q23.2.
Variant type: single nucleotide variant.
Coding change: c.3680A>G on transcript NM_032043.3 (MANE Select); coding-DNA position 3680, A replaced by G.
Protein change: p.His1227Arg; replaces histidine 1227 with arginine.
Molecular consequence: missense variant.
Genome position (GRCh38, 1-based): chr17:61,683,366, T>C on the plus strand (A>G on the coding strand, the complement: BRIP1 is on the minus strand). VCF-style: chr17-61683366-T-C. GRCh37 (hg19) VCF-style: chr17-59760727-T-C.
Other names: short protein forms H1227R.
Identifiers: ClinVar variation 421331 (VCV000421331.22), dbSNP rs755069935, ClinGen allele CA8690339.